The following is an entry in ClinVar:

NM_000444.6(PHEX):c.706C>G (p.Leu236Val)

Gene: PHEX (phosphate regulating endopeptidase X-linked; plus strand). Cytogenetic location: Xp22.11.
Variant type: single nucleotide variant.
Coding change: c.706C>G on transcript NM_000444.6 (MANE Select); coding-DNA position 706, C replaced by G.
Protein change: p.Leu236Val; replaces leucine 236 with valine.
Molecular consequence: missense variant.
Genome position (GRCh38, 1-based): chrX:22,090,471, C>G. VCF-style: chrX-22090471-C-G. GRCh37 (hg19) VCF-style: chrX-22108589-C-G.
Other names: c.706C>G, p.Leu236Val (NM_001282754.2); short protein forms L236V.
Identifiers: ClinVar variation 3906444 (VCV003906444.1).

ClinVar aggregate classification (germline): Uncertain significance (1 of 4 stars; one submission).

gnomAD v4.1: 2 of 1,206,837 alleles (0.00017%); highest among the groups gnomAD compares: Non-Finnish European, 0.00022%; no homozygotes.

Submission:

GeneDx
Classification: Uncertain significance. Last evaluated: 2024-12-23. Review status: criteria provided, single submitter. Criteria: GeneDx Variant Classification Process June 2021. Collection method: clinical testing. Allele origin: germline. Affected: yes.
Comment: Not observed at significant frequency in large population cohorts (gnomAD); In silico analysis indicates that this missense variant does not alter protein structure/function; Has not been previously published as pathogenic or benign to our knowledge